The following is an entry in ClinVar:

ClinVar aggregate classification (germline): Uncertain significance (1 of 4 stars; one submission).

Conditions:
Hereditary cancer-predisposing syndrome. Also called: Neoplastic Syndromes, Hereditary; Tumor predisposition; Hereditary Cancer Syndrome; Hereditary neoplastic syndrome. Identifiers: Orphanet 140162, MedGen C0027672, MeSH D009386, MONDO:0015356.

Submission:

Ambry Genetics
Classification: Uncertain significance for Hereditary cancer-predisposing syndrome. Last evaluated: 2025-06-13. Review status: criteria provided, single submitter. Criteria: Ambry Variant Classification Scheme 2023. Collection method: clinical testing. Allele origin: germline.
Comment: The p.G2313V variant (also known as c.6938G>T) is located in coding exon 12 of the BRCA2 gene. The glycine at codon 2313 is replaced by valine, an amino acid with dissimilar properties. This change occurs in the first base pair of coding exon 12. This amino acid position is conserved. In addition, this alteration is predicted to be deleterious by in silico analysis. Since supporting evidence is limited at this time, the clinical significance of this alteration remains unclear.

NM_000059.4(BRCA2):c.6938G>T (p.Gly2313Val)

Gene: BRCA2 (BRCA2 DNA repair associated; plus strand). Cytogenetic location: 13q13.1.
Variant type: single nucleotide variant.
Coding change: c.6938G>T on transcript NM_000059.4 (MANE Select); coding-DNA position 6938, G replaced by T.
Protein change: p.Gly2313Val; replaces glycine 2313 with valine.
Molecular consequence: missense variant.
Genome position (GRCh38, 1-based): chr13:32,346,827, G>T. VCF-style: chr13-32346827-G-T. GRCh37 (hg19) VCF-style: chr13-32920964-G-T.
Other names: c.6842G>T, p.Gly2281Val (NM_001406719.1); c.6938G>T, p.Gly2313Val (NM_001406720.1); c.2006G>T, p.Gly669Val (NM_001406721.1); c.521G>T, p.Gly174Val (NM_001406722.1); short protein forms G2281V, G2313V, G669V, G174V.
Identifiers: ClinVar variation 1756225 (VCV001756225.3), dbSNP rs1247848547, ClinGen allele CA387792968.